The following is an entry in ClinVar:

ClinVar aggregate classification (germline): Likely pathogenic (1 of 4 stars; one submission).

Conditions:
Breast-ovarian cancer, familial, susceptibility to, 1 (BROVCA1). Also called: OVARIAN CANCER, SUSCEPTIBILITY TO; BRCA1 Hereditary Breast and Ovarian Cancer. Identifiers: Orphanet 145, MedGen C2676676, MONDO:0011450, OMIM 604370. Disease mechanism: loss of function.

Submission:

Department of Laboratory Medicine, The Third Affiliated Hospital of Zhengzhou University
Classification: Likely pathogenic for Breast-ovarian cancer, familial, susceptibility to, 1. Last evaluated: 2026-09-24. Review status: criteria provided, single submitter. Criteria: ClinGen BRCA1 and BRCA2 Guidelines, 2024. Collection method: clinical testing. Allele origin: germline. Inheritance: Autosomal dominant inheritance. Affected: yes. Observed: 5 variant alleles, 5 heterozygotes. Clinical features observed: Ovarian carcinoma (HP:0025318), Breast carcinoma (HP:0003002).
Comment: PVS1 at full weight: PacBio HiFi whole-genome sequencing (7 junction-spanning reads with identical breakpoints) proved a direct tandem insertion of the 19,469-bp segment; the 536-bp duplicated coding sequence shifts the reading frame (p.(Ala224Aspfs*5), NMD predicted). PP1_Supporting (co-segregation with breast cancer in a sister, COOL LR 2.14). With PM5_PTC_Strong the classification would be Pathogenic (13 points). Without long-read data (tandem status unknown) the variant scores PVS1_Strong + PP1_Supporting = 5 points (uncertain significance). Classified with the ClinGen ENIGMA BRCA1/BRCA2 VCEP specifications v1.2 (2025). BRCA1 exon numbering per NM_007294.4 (MANE Select); legacy exon numbers in parentheses.

NC_000017.11:g.43095510_43114978dup; NM_007294.4:c.135-8441_670+340dup; direct tandem duplication of exons 4-9 (legacy exons 5-10); frameshift at the exon 9-exon 4 junction, p.(Ala224Aspfs*5) predicted; breakpoints in an AluJb element (intron 9) and unique sequence (intron 3), 4-bp microhomology (TTGG)

Gene: BRCA1 (BRCA1 DNA repair associated; minus strand). Cytogenetic location: 17q21.31.
Variant type: Duplication.
Identifiers: ClinVar variation 5016490 (VCV005016490.1).